The following is an entry in ClinVar:

ClinVar aggregate classification (germline): Benign (1 of 4 stars; one submission).

Conditions:
Early Myoclonic Encephalopathy. Identifiers: MedGen C0270855.

Allele frequency attached by ClinVar (database versions not stated): 1000 Genomes Project 30x 0.01921; gnomAD 0.01987 and 0.02124; 1000 Genomes Project 0.01977; gnomAD exomes 0.00166; TOPMed 0.02257.
gnomAD v4.1: 3,109 of 216,410 alleles (1.4%); highest among the groups gnomAD compares: African/African-American, 6.7%; 110 homozygotes.

Submission:

Illumina Laboratory Services, Illumina
Classification: Benign for Developmental and epileptic encephalopathy, 3. Last evaluated: 2018-01-12. Review status: criteria provided, single submitter. Criteria: ICSL Variant Classification Criteria 13 December 2019. Collection method: clinical testing. Allele origin: germline.
Comment: This variant was observed in the ICSL laboratory as part of a predisposition screen in an ostensibly healthy population. It had not been previously curated by ICSL or reported in the Human Gene Mutation Database (HGMD: prior to June 1st, 2018), and was therefore a candidate for classification through an automated scoring system. Utilizing variant allele frequency, disease prevalence and penetrance estimates, and inheritance mode, an automated score was calculated to assess if this variant is too frequent to cause the disease. Based on the score and internal cut-off values, a variant classified as benign is not then subjected to further curation. The score for this variant resulted in a classification of benign for this disease.

NM_001191061.2(SLC25A22):c.*436C>T

Gene: SLC25A22 (solute carrier family 25 member 22; minus strand). Cytogenetic location: 11p15.5.
Variant type: single nucleotide variant.
Coding change: c.*436C>T on transcript NM_001191061.2 (MANE Select); 436 bases downstream of the stop codon, C replaced by T.
Molecular consequence: 3 prime UTR variant.
Genome position (GRCh38, 1-based): chr11:791,479, G>A on the plus strand (C>T on the coding strand, the complement: SLC25A22 is on the minus strand). VCF-style: chr11-791479-G-A. GRCh37 (hg19) VCF-style: chr11-791479-G-A.
Other names: c.*436C>T (NM_001191060.2, NM_024698.6).
Identifiers: ClinVar variation 306253 (VCV000306253.5), dbSNP rs112476979, ClinGen allele CA10640323.